The following is an entry in ClinVar:

ClinVar aggregate classification (germline): Likely benign. Review status: criteria provided, multiple submitters, no conflicts (2 of 4 stars). 2 submissions from 2 submitters: Likely benign (2). Last evaluated 2024-02-01.

gnomAD v4.1: 21 of 1,611,124 alleles (0.0013%); highest among the groups gnomAD compares: Middle Eastern, 0.049%; no homozygotes.

Submissions (2):

CeGaT Center for Human Genetics Tuebingen
Classification: Likely benign. Last evaluated: 2024-02-01. Review status: criteria provided, single submitter. Criteria: CeGaT Center For Human Genetics Tuebingen Variant Classification Criteria Version 2. Collection method: clinical testing. Allele origin: germline. Affected: yes. Observed: 1 variant allele.
Comment: GRID2: BP4, BP7

Labcorp Genetics (formerly Invitae), Labcorp
Classification: Likely benign. Last evaluated: 2022-10-19. Review status: criteria provided, single submitter. Criteria: Invitae Variant Classification Sherloc (09022015). Collection method: clinical testing. Allele origin: germline.

NM_001510.4(GRID2):c.1803G>T (p.Thr601=)

Gene: GRID2 (glutamate ionotropic receptor delta type subunit 2; plus strand). Cytogenetic location: 4q22.2.
Variant type: single nucleotide variant.
Coding change: c.1803G>T on transcript NM_001510.4 (MANE Select); coding-DNA position 1803, G replaced by T.
Protein change: p.Thr601=; no amino-acid change (threonine 601 retained).
Molecular consequence: synonymous variant.
Genome position (GRCh38, 1-based): chr4:93,455,919, G>T. VCF-style: chr4-93455919-G-T. GRCh37 (hg19) VCF-style: chr4-94377070-G-T.
Other names: c.1518G>T, p.Thr506= (NM_001286838.1).
Identifiers: ClinVar variation 2173626 (VCV002173626.26), dbSNP rs148186798, ClinGen allele CA3012378.